The following is an entry in ClinVar:

ClinVar aggregate classification (germline): Benign/Likely benign. Review status: criteria provided, multiple submitters, no conflicts (2 of 4 stars). 13 submissions from 13 submitters: Benign (7); Likely benign (3). 3 of the submissions do not count toward it. Last evaluated 2026-05-01.

Conditions:
Cardiovascular phenotype. Identifiers: MedGen CN230736.
MYPN-related disorder. Also called: MYPN-related condition.
Dilated cardiomyopathy 1KK (CMD1KK). Identifiers: Orphanet 154, Orphanet 75249, MedGen C3714995, MONDO:0014100, OMIM 615248.
Hypertrophic cardiomyopathy. Also called: HYPERTROPHIC MYOCARDIOPATHY. Identifiers: Orphanet 217569, MedGen C0007194, MeSH D002312, MONDO:0005045, HP:0001639.

Allele frequency attached by ClinVar (database versions not stated): gnomAD exomes 0.00091; ExAC 0.00109; gnomAD 0.00301 and 0.00321; TOPMed 0.00339; 1000 Genomes Project 0.00439; ESP Exome Variant Server 0.00461; 1000 Genomes Project 30x 0.00515.
gnomAD v4.1: 900 of 1,614,154 alleles (0.056%); highest among the groups gnomAD compares: African/African-American, 1.1%; 7 homozygotes.

Submissions (13):

CeGaT Center for Human Genetics Tuebingen
Classification: Likely benign. Last evaluated: 2026-05-01. Review status: criteria provided, single submitter. Criteria: CeGaT Center For Human Genetics Tuebingen Variant Classification Criteria Version 2. Collection method: clinical testing. Allele origin: germline. Affected: yes. Observed: 4 variant alleles.
Comment: MYPN: BP4, BS1

Labcorp Genetics (formerly Invitae), Labcorp
Classification: Benign for Dilated cardiomyopathy 1KK. Last evaluated: 2026-02-02. Review status: criteria provided, single submitter. Criteria: Invitae Variant Classification Sherloc (09022015). Collection method: clinical testing. Allele origin: germline.

Women's Health and Genetics/Laboratory Corporation of America, LabCorp
Classification: Likely benign. Last evaluated: 2025-06-20. Review status: criteria provided, single submitter. Criteria: LabCorp Variant Classification Summary - May 2015. Collection method: clinical testing. Allele origin: germline.

Blueprint Genetics
Classification: Likely benign. Last evaluated: 2024-10-16. Review status: criteria provided, single submitter. Criteria: ACMG Guidelines, 2015. Collection method: clinical testing. Allele origin: germline.

Mayo Clinic Laboratories, Mayo Clinic
Classification: Benign. Last evaluated: 2023-11-20. Review status: criteria provided, single submitter. Criteria: ACMG Guidelines, 2015. Collection method: clinical testing. Allele origin: germline. Observed: 9 variant alleles.

Clinical Genetics DNA and cytogenetics Diagnostics Lab, Erasmus MC, Erasmus Medical Center
Classification: Benign for Dilated cardiomyopathy 1KK. Last evaluated: 2015-09-21. Review status: criteria provided, single submitter. Criteria: ACGS Guidelines, 2013. Collection method: clinical testing. Allele origin: germline. Affected: yes. Study: VKGL Data-share Consensus.

Ambry Genetics
Classification: Benign for Cardiovascular phenotype. Last evaluated: 2015-08-21. Review status: criteria provided, single submitter. Criteria: Ambry Variant Classification Scheme 2023. Collection method: clinical testing. Allele origin: germline.

GeneDx
Classification: Benign. Last evaluated: 2015-04-30. Review status: criteria provided, single submitter. Criteria: GeneDx Variant Classification (06012015). Collection method: clinical testing. Allele origin: germline. Affected: yes.
Comment: This variant is considered likely benign or benign based on one or more of the following criteria: it is a conservative change, it occurs at a poorly conserved position in the protein, it is predicted to be benign by multiple in silico algorithms, and/or has population frequency not consistent with disease.

Laboratory for Molecular Medicine, Mass General Brigham Personalized Medicine
Classification: Benign. Last evaluated: 2014-11-24. Review status: criteria provided, single submitter. Criteria: LMM Criteria. Collection method: clinical testing. Allele origin: germline. Observed: 3 variant alleles.
Comment: Ala1141Thr in exon 18 of MYPN: This variant is not expected to have clinical sig nificance because it has been identified in 1.4% (60/4406) of African American c hromosomes from a broad population by the NHLBI Exome Sequencing Project (dbSNP rs150404143).

Biesecker Lab/Clinical Genomics Section, National Institutes of Health
Classification: Benign. Last evaluated: 2013-06-24. Review status: criteria provided, single submitter. Criteria: Ng et al. (Circ Cardiovasc Genet. 2013). Collection method: research. Allele origin: unknown. Observed: 2 variant alleles. Study: ClinSeq.
Comment: The study set was not selected for affection status in relation to any cancer. Pathogenicity categories were based on literature curation. See Pubmed ID:23861362 for details.

Medical sequencing

PreventionGenetics, part of Exact Sciences
Classification: Benign for MYPN-related condition. Last evaluated: 2019-04-01. Review status: no assertion criteria provided. Collection method: clinical testing. Allele origin: germline. Not counted in ClinVar's aggregate classification.
Comment: This variant is classified as benign based on ACMG/AMP sequence variant interpretation guidelines (Richards et al. 2015 PMID: 25741868, with internal and published modifications).

Clinical Genetics, Academic Medical Center
Classification: Benign. Review status: no assertion criteria provided. Collection method: clinical testing. Allele origin: germline. Affected: yes. Study: VKGL Data-share Consensus. Not counted in ClinVar's aggregate classification.

Zaffran Lab, Genetics of Cardiac Diseases Laboratory, Marseille Medical Genetics
Classification: Uncertain significance for hypertrophic cardiomyopathy. Review status: no assertion criteria provided. Collection method: research. Allele origin: unknown. Affected: yes. Not counted in ClinVar's aggregate classification.

NM_032578.4(MYPN):c.3421G>A (p.Ala1141Thr)

Gene: MYPN (myopalladin; plus strand). Cytogenetic location: 10q21.3.
Variant type: single nucleotide variant.
Coding change: c.3421G>A on transcript NM_032578.4 (MANE Select); coding-DNA position 3421, G replaced by A.
Protein change: p.Ala1141Thr; replaces alanine 1141 with threonine.
Molecular consequence: missense variant. On other transcripts: non-coding transcript variant (2).
Genome position (GRCh38, 1-based): chr10:68,199,503, G>A. VCF-style: chr10-68199503-G-A. GRCh37 (hg19) VCF-style: chr10-69959260-G-A.
Other names: c.3421G>A, p.Ala1141Thr (NM_001256267.2); c.2539G>A, p.Ala847Thr (NM_001256268.2); short protein forms A1141T, A847T.
Identifiers: ClinVar variation 192192 (VCV000192192.44), dbSNP rs150404143, ClinGen allele CA200041.
Genomic context (GRCh38, chr10:68,199,503, plus strand): 5'-ATGCTGGTCAGGGAGACCGGAGTCCACTCTCTGCTCATTGACCCACTCACTCAGCGCGAC[G>A]CAGGGACCTATAAGTGCATCGCTACCAACAAAACCGGGCAGAATTCTTTTAGTCTGGAGC-3'
Protein context (NP_115967.2, residues 1131-1151): LLIDPLTQRD[Ala1141Thr]GTYKCIATNK